The following is an entry in ClinVar:

NM_000188.3(HK1):c.1678T>C (p.Tyr560His)

Gene: HK1 (hexokinase 1; plus strand). Cytogenetic location: 10q22.1.
Variant type: single nucleotide variant.
Coding change: c.1678T>C on transcript NM_000188.3 (MANE Select); coding-DNA position 1678, T replaced by C.
Protein change: p.Tyr560His; replaces tyrosine 560 with histidine.
Molecular consequence: missense variant.
Genome position (GRCh38, 1-based): chr10:69,384,440, T>C. VCF-style: chr10-69384440-T-C. GRCh37 (hg19) VCF-style: chr10-71144196-T-C.
Other names: c.1690T>C, p.Tyr564His (NM_001322364.2, NM_001358263.1, NM_033497.3 and 1 more transcripts); c.1783T>C, p.Tyr595His (NM_001322365.2); c.1594T>C, p.Tyr532His (NM_001322366.1); c.1582T>C, p.Tyr528His (NM_001322367.1); c.1675T>C, p.Tyr559His (NM_033496.3); c.1642T>C, p.Tyr548His (NM_033500.2); short protein forms Y560H, Y548H, Y564H, Y595H, Y532H, Y528H, Y559H.
Identifiers: ClinVar variation 2110043 (VCV002110043.4), dbSNP rs2540429823, ClinGen allele CA376911386.

ClinVar aggregate classification (germline): Uncertain significance (1 of 4 stars; one submission).

Submission:

Labcorp Genetics (formerly Invitae), Labcorp
Classification: Uncertain significance. Last evaluated: 2023-08-10. Review status: criteria provided, single submitter. Criteria: Invitae Variant Classification Sherloc (09022015). Collection method: clinical testing. Allele origin: germline.
Comment: In summary, the available evidence is currently insufficient to determine the role of this variant in disease. Therefore, it has been classified as a Variant of Uncertain Significance. Advanced modeling of protein sequence and biophysical properties (such as structural, functional, and spatial information, amino acid conservation, physicochemical variation, residue mobility, and thermodynamic stability) performed at Invitae indicates that this missense variant is not expected to disrupt HK1 protein function. ClinVar contains an entry for this variant (Variation ID: 2110043). This variant has not been reported in the literature in individuals affected with HK1-related conditions. This variant is not present in population databases (gnomAD no frequency). This sequence change replaces tyrosine, which is neutral and polar, with histidine, which is basic and polar, at codon 560 of the HK1 protein (p.Tyr560His).